The following is an entry in ClinVar:

NM_005566.4(LDHA):c.285G>A (p.Thr95=)

Gene: LDHA (lactate dehydrogenase A; plus strand). Cytogenetic location: 11p15.1.
Variant type: single nucleotide variant.
Coding change: c.285G>A on transcript NM_005566.4 (MANE Select); coding-DNA position 285, G replaced by A.
Protein change: p.Thr95=; no amino-acid change (threonine 95 retained).
Molecular consequence: synonymous variant. On other transcripts: non-coding transcript variant (1), intron variant (1).
Genome position (GRCh38, 1-based): chr11:18,400,877, G>A. VCF-style: chr11-18400877-G-A. GRCh37 (hg19) VCF-style: chr11-18422424-G-A.
Other names: c.372G>A, p.Thr124= (NM_001165414.2); c.285G>A, p.Thr95= (NM_001165415.2, NM_001165416.2); c.244+1329G>A (NM_001135239.2).
Identifiers: ClinVar variation 392797 (VCV000392797.8), dbSNP rs202160072, ClinGen allele CA16606903.

ClinVar aggregate classification (germline): Conflicting classifications of pathogenicity. Review status: criteria provided, conflicting classifications (1 of 4 stars). 3 submissions from 3 submitters: Uncertain significance (1); Likely benign (2). Last evaluated 2023-03-30.

Conditions:
Glycogen storage disease due to lactate dehydrogenase M-subunit deficiency (GSD11). Also called: Glycogen storage disease XI; GSD XI; LACTATE DEHYDROGENASE A DEFICIENCY. Identifiers: Orphanet 284426, MedGen C2931743, MONDO:0013047, OMIM 612933.

Allele frequency attached by ClinVar (database versions not stated): gnomAD 0.00001; TOPMed 0.00001; gnomAD exomes below 0.00001.
gnomAD v4.1: 8 of 1,613,260 alleles (0.0005%); highest among the groups gnomAD compares: Admixed American, 0.0017%; no homozygotes.

Submissions (3):

Labcorp Genetics (formerly Invitae), Labcorp
Classification: Likely benign for Glycogen storage disease due to lactate dehydrogenase M-subunit deficiency. Last evaluated: 2023-03-30. Review status: criteria provided, single submitter. Criteria: Invitae Variant Classification Sherloc (09022015). Collection method: clinical testing. Allele origin: germline.

Illumina Laboratory Services, Illumina
Classification: Uncertain significance for Glycogen storage disease due to lactate dehydrogenase M-subunit deficiency. Last evaluated: 2018-01-12. Review status: criteria provided, single submitter. Criteria: ICSL Variant Classification Criteria 13 December 2019. Collection method: clinical testing. Allele origin: germline.

GeneDx
Classification: Likely benign. Last evaluated: 2017-01-16. Review status: criteria provided, single submitter. Criteria: GeneDx Variant Classification (06012015). Collection method: clinical testing. Allele origin: germline. Affected: yes.
Comment: This variant is considered likely benign or benign based on one or more of the following criteria: it is a conservative change, it occurs at a poorly conserved position in the protein, it is predicted to be benign by multiple in silico algorithms, and/or has population frequency not consistent with disease.